The following is an entry in ClinVar:

ClinVar aggregate classification (germline): Uncertain significance (1 of 4 stars; one submission).

Submission:

GeneDx
Classification: Uncertain significance. Last evaluated: 2026-01-27. Review status: criteria provided, single submitter. Criteria: GeneDx Variant Classification Process June 2021. Collection method: clinical testing. Allele origin: germline.
Comment: Not observed at significant frequency in large population cohorts (gnomAD); In silico analysis supports that this missense variant has a deleterious effect on protein structure/function; Has not been previously published as pathogenic or benign to our knowledge

NM_000384.3(APOB):c.10687T>C (p.Trp3563Arg)

Gene: APOB (apolipoprotein B; minus strand). Cytogenetic location: 2p24.1.
Variant type: single nucleotide variant.
Coding change: c.10687T>C on transcript NM_000384.3 (MANE Select); coding-DNA position 10687, T replaced by C.
Protein change: p.Trp3563Arg; replaces tryptophan 3563 with arginine.
Molecular consequence: missense variant.
Genome position (GRCh38, 1-based): chr2:21,006,181, A>G on the plus strand (T>C on the coding strand, the complement: APOB is on the minus strand). VCF-style: chr2-21006181-A-G. GRCh37 (hg19) VCF-style: chr2-21229053-A-G.
Other names: short protein forms W3563R.
Identifiers: ClinVar variation 4975751 (VCV004975751.1).